The following is an entry in ClinVar:

NM_000153.4(GALC):c.1268T>C (p.Leu423Pro)

Gene: GALC (galactosylceramidase; minus strand). Cytogenetic location: 14q31.3.
Variant type: single nucleotide variant.
Coding change: c.1268T>C on transcript NM_000153.4 (MANE Select); coding-DNA position 1268, T replaced by C.
Protein change: p.Leu423Pro; replaces leucine 423 with proline.
Molecular consequence: missense variant.
Genome position (GRCh38, 1-based): chr14:87,949,915, A>G on the plus strand (T>C on the coding strand, the complement: GALC is on the minus strand). VCF-style: chr14-87949915-A-G. GRCh37 (hg19) VCF-style: chr14-88416259-A-G.
Other names: c.1199T>C, p.Leu400Pro (NM_001201401.2); c.1190T>C, p.Leu397Pro (NM_001201402.2); short protein forms L423P, L400P, L397P.
Identifiers: ClinVar variation 635060 (VCV000635060.1), dbSNP rs1566976644, ClinGen allele CA390746851.
Genomic context (GRCh38, chr14:87,949,915, plus strand): 5'-TCCAGCTGCTTAAAAAGAAATCTTTCGGATGTTTTTCCAAGTTTGGTATACCATACCTGT[A>G]GCTCTGGTATTTCACTCTGTAAAGAAAAGACAAAAAAGCATGGCTGAGTAATTCATCACA-3'
Protein context (NP_000144.2, residues 413-433): LKGSFSEIPE[Leu423Pro]QVWYTKLGKT

ClinVar aggregate classification (germline): Uncertain significance (1 of 4 stars; one submission).

Conditions:
Galactosylceramide beta-galactosidase deficiency. Also called: Leukodystrophy, Globoid Cell; GALACTOCEREBROSIDASE DEFICIENCY; GALC DEFICIENCY; GLOBOID CELL LEUKOENCEPHALOPATHY; Krabbe Disease. Identifiers: Orphanet 487, MedGen C0023521, MONDO:0009499, OMIM 245200.

Submission:

Broad Center for Mendelian Genomics, Broad Institute of MIT and Harvard
Classification: Uncertain significance for Galactosylceramide beta-galactosidase deficiency. Last evaluated: 2018-06-15. Review status: criteria provided, single submitter. Criteria: ACMG Guidelines, 2015. Collection method: research. Allele origin: germline. Inheritance: Autosomal recessive inheritance. Affected: yes.
Comment: This variant was absent from large population studies. The Leucine (Leu) at position 423 is highly conserved in mammals and evolutionarily distant species, raising the possibility that a change at this position may not be tolerated. Computational prediction tools suggest that this variant may impact the protein, though this information is not predictive enough to determine pathogenicity. In summary, the clinical significance of this variant is uncertain.